The following is an entry in ClinVar:

ClinVar aggregate classification (germline): Uncertain significance. Review status: criteria provided, multiple submitters, no conflicts (2 of 4 stars). 2 submissions from 2 submitters: Uncertain significance (2). Last evaluated 2022-07-30.

Allele frequency attached by ClinVar (database versions not stated): TOPMed below 0.00001; ExAC 0.00002; gnomAD 0.00002.
gnomAD v4.1: 8 of 1,594,168 alleles (0.0005%); highest among the groups gnomAD compares: African/African-American, 0.0014%; no homozygotes.

Submissions (2):

Labcorp Genetics (formerly Invitae), Labcorp
Classification: Uncertain significance. Last evaluated: 2022-07-30. Review status: criteria provided, single submitter. Criteria: Invitae Variant Classification Sherloc (09022015). Collection method: clinical testing. Allele origin: germline.
Comment: In summary, the available evidence is currently insufficient to determine the role of this variant in disease. Therefore, it has been classified as a Variant of Uncertain Significance. Algorithms developed to predict the effect of missense changes on protein structure and function are either unavailable or do not agree on the potential impact of this missense change (SIFT: "Tolerated"; PolyPhen-2: "Not Available"; Align-GVGD: "Class C0"). This variant has not been reported in the literature in individuals affected with ITSN2-related conditions. This variant is present in population databases (rs746153312, gnomAD 0.003%). This sequence change replaces arginine, which is basic and polar, with glutamine, which is neutral and polar, at codon 447 of the ITSN2 protein (p.Arg447Gln).

Ambry Genetics
Classification: Uncertain significance. Last evaluated: 2022-02-10. Review status: criteria provided, single submitter. Criteria: Ambry Variant Classification Scheme 2023. Collection method: clinical testing. Allele origin: germline.

NM_006277.3(ITSN2):c.1340G>A (p.Arg447Gln)

Gene: ITSN2 (intersectin 2; minus strand). Cytogenetic location: 2p23.3.
Variant type: single nucleotide variant.
Coding change: c.1340G>A on transcript NM_006277.3 (MANE Select); coding-DNA position 1340, G replaced by A.
Protein change: p.Arg447Gln; replaces arginine 447 with glutamine.
Molecular consequence: missense variant.
Genome position (GRCh38, 1-based): chr2:24,299,913, C>T on the plus strand (G>A on the coding strand, the complement: ITSN2 is on the minus strand). VCF-style: chr2-24299913-C-T. GRCh37 (hg19) VCF-style: chr2-24522782-C-T.
Other names: c.1298G>A, p.Arg433Gln (NM_001348181.2, NM_001348184.2); c.1340G>A, p.Arg447Gln (NM_001348182.2, NM_001348183.2, NM_001348185.2 and 3 more transcripts); short protein forms R433Q, R447Q.
Identifiers: ClinVar variation 2020451 (VCV002020451.5), dbSNP rs746153312, ClinGen allele CA1551520.